The following is an entry in ClinVar:

ClinVar aggregate classification (germline): Uncertain significance. Review status: criteria provided, multiple submitters, no conflicts (2 of 4 stars). 3 submissions from 3 submitters: Uncertain significance (3). Last evaluated 2025-11-12.

Conditions:
DNMT1-related disorder. Also called: DNMT1-related condition. Identifiers: MedGen CN381527.
Hereditary sensory neuropathy-deafness-dementia syndrome. Also called: Hereditary sensory neuropathy type IE; Hereditary Sensory and Autonomic Neuropathy Type 1E (HSAN1E); HSN IE; NEUROPATHY, HEREDITARY SENSORY, WITH HEARING LOSS AND DEMENTIA. Identifiers: Orphanet 456318, MedGen C3279885, MONDO:0013584, OMIM 614116.

Allele frequency attached by ClinVar (database versions not stated): gnomAD exomes 0.00001.
gnomAD v4.1: 10 of 1,614,228 alleles (0.00062%); highest among the groups gnomAD compares: Non-Finnish European, 0.00085%; no homozygotes.

Submissions (3):

PreventionGenetics, part of Exact Sciences
Classification: Uncertain significance for DNMT1-related condition. Last evaluated: 2025-11-12. Review status: criteria provided, single submitter. Criteria: ACMG Guidelines, 2015. Collection method: clinical testing. Allele origin: germline.
Comment: The DNMT1 c.1196A>G variant is predicted to result in the amino acid substitution p.Asn399Ser. To our knowledge, this variant has not been reported in the literature or in a large population database (gnomAD), indicating this variant is rare. At this time, the clinical significance of this variant is uncertain due to the absence of conclusive functional and genetic evidence.

Labcorp Genetics (formerly Invitae), Labcorp
Classification: Uncertain significance for Hereditary sensory neuropathy-deafness-dementia syndrome. Last evaluated: 2023-06-30. Review status: criteria provided, single submitter. Criteria: Invitae Variant Classification Sherloc (09022015). Collection method: clinical testing. Allele origin: germline.
Comment: This sequence change replaces asparagine, which is neutral and polar, with serine, which is neutral and polar, at codon 399 of the DNMT1 protein (p.Asn399Ser). This variant is not present in population databases (gnomAD no frequency). This variant has not been reported in the literature in individuals affected with DNMT1-related conditions. ClinVar contains an entry for this variant (Variation ID: 662528). Advanced modeling of protein sequence and biophysical properties (such as structural, functional, and spatial information, amino acid conservation, physicochemical variation, residue mobility, and thermodynamic stability) performed at Invitae indicates that this missense variant is not expected to disrupt DNMT1 protein function. In summary, the available evidence is currently insufficient to determine the role of this variant in disease. Therefore, it has been classified as a Variant of Uncertain Significance.

GeneDx
Classification: Uncertain significance. Last evaluated: 2023-06-27. Review status: criteria provided, single submitter. Criteria: GeneDx Variant Classification Process June 2021. Collection method: clinical testing. Allele origin: germline. Affected: yes.
Comment: Not observed at significant frequency in large population cohorts (gnomAD); In silico analysis supports that this missense variant does not alter protein structure/function; Has not been previously published as pathogenic or benign to our knowledge; This variant is associated with the following publications: (PMID: 25942534, 25678562, 23521649)

NM_001130823.3(DNMT1):c.1196A>G (p.Asn399Ser)

Gene: DNMT1 (DNA methyltransferase 1; minus strand). Cytogenetic location: 19p13.2.
Variant type: single nucleotide variant.
Coding change: c.1196A>G on transcript NM_001130823.3 (MANE Select); coding-DNA position 1196, A replaced by G.
Protein change: p.Asn399Ser; replaces asparagine 399 with serine.
Molecular consequence: missense variant.
Genome position (GRCh38, 1-based): chr19:10,159,742, T>C on the plus strand (A>G on the coding strand, the complement: DNMT1 is on the minus strand). VCF-style: chr19-10159742-T-C. GRCh37 (hg19) VCF-style: chr19-10270418-T-C.
Other names: c.1148A>G, p.Asn383Ser (NM_001318730.2, NM_001379.4); c.833A>G, p.Asn278Ser (NM_001318731.2); c.1196A>G (LRG_362t1, NM_001130823.2); short protein forms N383S, N278S, N399S.
Identifiers: ClinVar variation 662528 (VCV000662528.8), dbSNP rs1599371457, ClinGen allele CA403939171.